The following is an entry in ClinVar:

ClinVar aggregate classification (germline): Uncertain significance (1 of 4 stars; one submission).

Submission:

GeneDx
Classification: Uncertain significance. Last evaluated: 2024-12-19. Review status: criteria provided, single submitter. Criteria: GeneDx Variant Classification Process June 2021. Collection method: clinical testing. Allele origin: germline. Affected: yes.
Comment: Not observed at significant frequency in large population cohorts (gnomAD); Frameshift variant predicted to result in protein truncation or nonsense mediated decay in a gene or region of a gene for which loss of function is not a well-established mechanism of disease; Has not been previously published as pathogenic or benign to our knowledge

NM_001393504.1(MAST3):c.2773_2777dup (p.Ser927fs)

Gene: MAST3 (microtubule associated serine/threonine kinase 3; plus strand). Cytogenetic location: 19p13.11.
Variant type: Duplication.
Coding change: c.2773_2777dup on transcript NM_001393504.1 (MANE Select); coding-DNA positions 2773 to 2777, 5 bases duplicated (TCAGC; older notation c.2773_2777dupTCAGC).
Protein change: p.Ser927fs; shifts the reading frame from serine 927.
Molecular consequence: frameshift variant.
Genome position (GRCh38, 1-based): chr19:18,144,654-18,144,658, TCAGC duplicated. VCF-style (leftmost placement, unchanged base first): chr19-18144653-G-GTCAGC. GRCh37 (hg19) VCF-style: chr19-18255463-G-GTCAGC.
Other names: c.2797_2801dup, p.Ser935fs (NM_001393501.1); c.2776_2780dup, p.Ser928fs (NM_001393502.1); c.2773_2777dup, p.Ser927fs (NM_001393503.1); c.2770_2774dup, p.Ser926fs (NM_001393505.1); c.2725_2729dup, p.Ser911fs (NM_001393506.1, NM_001393513.1); c.2752_2756dup, p.Ser920fs (NM_001393507.1); c.2707_2711dup, p.Ser905fs (NM_001393508.1, NM_001393516.1); c.2704_2708dup, p.Ser904fs (NM_001393509.1, NM_001393510.1, NM_001393512.1 and 2 more transcripts); and 4 more; short protein forms S889fs, S897fs, S898fs, S903fs, S904fs, S905fs, S911fs, S920fs.
Identifiers: ClinVar variation 3907808 (VCV003907808.1).